The following is an entry in ClinVar:

NM_006258.4(PRKG1):c.1049C>G (p.Ala350Gly)

Gene: PRKG1 (protein kinase cGMP-dependent 1; plus strand). Cytogenetic location: 10q21.1.
Variant type: single nucleotide variant.
Coding change: c.1049C>G on transcript NM_006258.4 (MANE Select); coding-DNA position 1049, C replaced by G.
Protein change: p.Ala350Gly; replaces alanine 350 with glycine.
Molecular consequence: missense variant. On other transcripts: 5 prime UTR variant (1).
Genome position (GRCh38, 1-based): chr10:52,161,936, C>G. VCF-style: chr10-52161936-C-G. GRCh37 (hg19) VCF-style: chr10-53921696-C-G.
Other names: c.1004C>G, p.Ala335Gly (NM_001098512.3); c.-161C>G (NM_001374781.1); short protein forms A335G, A350G.
Identifiers: ClinVar variation 1719828 (VCV001719828.5), dbSNP rs1242409005, ClinGen allele CA376534539.
Genomic context (GRCh38, chr10:52,161,936, plus strand): 5'-TTTCGTCTGACAGCTCTTTTAAACATTTGATTGGAGGGCTGGATGATGTTTCTAATAAAG[C>G]ATATGAAGATGCAGAAGCTAAAGCAAAGTAAGTGACTTTTTTCCTTAATTTTGATTGCAA-3'
Protein context (NP_006249.1, residues 340-360): IGGLDDVSNK[Ala350Gly]YEDAEAKAKY

ClinVar aggregate classification (germline): Uncertain significance (1 of 4 stars; one submission).

Conditions:
Aortic aneurysm, familial thoracic 8 (AAT8). Identifiers: MedGen C3809513, MONDO:0014187, OMIM 615436.

Submission:

Labcorp Genetics (formerly Invitae), Labcorp
Classification: Uncertain significance for Aortic aneurysm, familial thoracic 8. Last evaluated: 2022-09-19. Review status: criteria provided, single submitter. Criteria: Invitae Variant Classification Sherloc (09022015). Collection method: clinical testing. Allele origin: germline.
Comment: This sequence change replaces alanine, which is neutral and non-polar, with glycine, which is neutral and non-polar, at codon 350 of the PRKG1 protein (p.Ala350Gly). This variant is not present in population databases (gnomAD no frequency). In summary, the available evidence is currently insufficient to determine the role of this variant in disease. Therefore, it has been classified as a Variant of Uncertain Significance. Algorithms developed to predict the effect of missense changes on protein structure and function (SIFT, PolyPhen-2, Align-GVGD) all suggest that this variant is likely to be tolerated. This variant has not been reported in the literature in individuals affected with PRKG1-related conditions.